The following is an entry in ClinVar:

NM_001206744.2(TPO):c.1132G>A (p.Glu378Lys)

Gene: TPO (thyroid peroxidase; plus strand). Cytogenetic location: 2p25.3.
Variant type: single nucleotide variant.
Coding change: c.1132G>A on transcript NM_001206744.2 (MANE Select); coding-DNA position 1132, G replaced by A.
Protein change: p.Glu378Lys; replaces glutamic acid 378 with lysine.
Molecular consequence: missense variant. On other transcripts: intron variant (1).
Genome position (GRCh38, 1-based): chr2:1,477,398, G>A. VCF-style: chr2-1477398-G-A. GRCh37 (hg19) VCF-style: chr2-1481170-G-A.
Other names: c.1132G>A, p.Glu378Lys (NM_000547.6, NM_001206745.2, NM_175719.4 and 1 more transcripts); c.820-7198G>A (NM_175722.3); short protein forms E378K.
Identifiers: ClinVar variation 3339956 (VCV003339956.1).

ClinVar aggregate classification (germline): Uncertain significance (1 of 4 stars; one submission).

gnomAD v4.1: 2 of 1,525,426 alleles (0.00013%); highest among the groups gnomAD compares: South Asian, 0.0024%; no homozygotes.

Submission:

Women's Health and Genetics/Laboratory Corporation of America, LabCorp
Classification: Uncertain significance. Last evaluated: 2024-06-19. Review status: criteria provided, single submitter. Criteria: LabCorp Variant Classification Summary - May 2015. Collection method: clinical testing. Allele origin: germline.
Comment: Variant summary: TPO c.1132G>A (p.Glu378Lys) results in a conservative amino acid change in the encoded protein sequence. Five of five in-silico tools predict a benign effect of the variant on protein function. The variant allele was found at a frequency of 8.2e-06 in 121364 control chromosomes (gnomAD). The available data on variant occurrences in the general population are insufficient to allow any conclusion about variant significance. c.1132G>A has been reported in the literature in at least an individual affected with hypothyroidism due to iodide organification defect (example: Tajima_2005). These data do not allow any conclusion about variant significance. To our knowledge, no experimental evidence demonstrating an impact on protein function has been reported. The following publication have been ascertained in the context of this evaluation (PMID: 16284446). No submitters have cited clinical-significance assessments for this variant to ClinVar. Based on the evidence outlined above, the variant was classified as uncertain significance.

Literature cited by the submitters: PubMed 16284446.